The following is an entry in ClinVar:

ClinVar aggregate classification (germline): Benign/Likely benign. Review status: criteria provided, multiple submitters, no conflicts (2 of 4 stars). 3 submissions from 3 submitters: Benign (1); Likely benign (2). Last evaluated 2026-10-01.

Allele frequency attached by ClinVar (database versions not stated): TOPMed 0.00039; gnomAD exomes 0.00098; 1000 Genomes Project 30x 0.00125; 1000 Genomes Project 0.00140; gnomAD 0.00184; ExAC 0.00257.
gnomAD v4.1: 1,728 of 1,613,852 alleles (0.11%); highest among the groups gnomAD compares: East Asian, 0.4%; 17 homozygotes.

Submissions (3):

CeGaT Center for Human Genetics Tuebingen
Classification: Likely benign. Last evaluated: 2026-10-01. Review status: criteria provided, single submitter. Criteria: CeGaT Center For Human Genetics Tuebingen Variant Classification Criteria Version 2. Collection method: clinical testing. Allele origin: germline. Affected: yes. Observed: 5 variant alleles.
Comment: SCN3A: PP3, BS1

ARUP Laboratories, Molecular Genetics and Genomics, ARUP Laboratories
Classification: Likely benign. Last evaluated: 2025-03-11. Review status: criteria provided, single submitter. Criteria: ARUP Molecular Germline Variant Investigation Process 2024. Collection method: clinical testing. Allele origin: germline.

Blueprint Genetics
Classification: Benign. Last evaluated: 2024-11-23. Review status: criteria provided, single submitter. Criteria: ACMG Guidelines, 2015. Collection method: clinical testing. Allele origin: germline.

NM_006922.4(SCN3A):c.603-153G>A

Gene: SCN3A (sodium voltage-gated channel alpha subunit 3; minus strand). Cytogenetic location: 2q24.3.
Variant type: single nucleotide variant.
Coding change: c.603-153G>A on transcript NM_006922.4 (MANE Select); 153 bases into the intron before coding-DNA position 603, G replaced by A.
Molecular consequence: intron variant. On other transcripts: missense variant (1).
Genome position (GRCh38, 1-based): chr2:165,163,862, C>T on the plus strand (G>A on the coding strand, the complement: SCN3A is on the minus strand). VCF-style: chr2-165163862-C-T. GRCh37 (hg19) VCF-style: chr2-166020372-C-T.
Other names: c.634G>A, p.Val212Ile (NM_001081677.2); c.603-153G>A (NM_001081676.2); short protein forms V212I.
Identifiers: ClinVar variation 1711508 (VCV001711508.32), dbSNP rs187637533, ClinGen allele CA1939396.